The following is an entry in ClinVar:

NM_001999.4(FBN2):c.2555-6T>C

Gene: FBN2 (fibrillin 2; minus strand). Cytogenetic location: 5q23.3.
Variant type: single nucleotide variant.
Coding change: c.2555-6T>C on transcript NM_001999.4 (MANE Select); 6 bases into the intron before coding-DNA position 2555, T replaced by C.
Molecular consequence: intron variant.
Genome position (GRCh38, 1-based): chr5:128,357,401, A>G on the plus strand (T>C on the coding strand, the complement: FBN2 is on the minus strand). VCF-style: chr5-128357401-A-G. GRCh37 (hg19) VCF-style: chr5-127693093-A-G.
Identifiers: ClinVar variation 286775 (VCV000286775.41), dbSNP rs376507178, ClinGen allele CA3395501.

ClinVar aggregate classification (germline): Conflicting classifications of pathogenicity. Review status: criteria provided, conflicting classifications (1 of 4 stars). 5 submissions from 5 submitters: Uncertain significance (1); Benign (1); Likely benign (3). Last evaluated 2025-12-09.

Conditions:
Congenital contractural arachnodactyly (CCA). Also called: BEALS SYNDROME; Beals-Hecht syndrome; Arthrogryposis, distal, type 9. Identifiers: Orphanet 115, MedGen C0220668, MONDO:0007363, OMIM 121050.
Congenital heart disease (CHD). Identifiers: MedGen C0152021, MONDO:0005453. Disease mechanism: unknown.

Allele frequency attached by ClinVar (database versions not stated): ExAC 0.00003; gnomAD 0.00004; gnomAD exomes 0.00004; TOPMed 0.00006; ESP Exome Variant Server 0.00008.
gnomAD v4.1: 82 of 1,613,614 alleles (0.0051%); highest among the groups gnomAD compares: Non-Finnish European, 0.0067%; no homozygotes.

Submissions (5):

Labcorp Genetics (formerly Invitae), Labcorp
Classification: Likely benign for Congenital contractural arachnodactyly. Last evaluated: 2025-12-09. Review status: criteria provided, single submitter. Criteria: Invitae Variant Classification Sherloc (09022015). Collection method: clinical testing. Allele origin: germline.

CeGaT Center for Human Genetics Tuebingen
Classification: Likely benign. Last evaluated: 2023-02-01. Review status: criteria provided, single submitter. Criteria: CeGaT Center For Human Genetics Tuebingen Variant Classification Criteria Version 2. Collection method: clinical testing. Allele origin: germline. Affected: yes. Observed: 1 variant allele.
Comment: FBN2: BP4

GeneDx
Classification: Likely benign. Last evaluated: 2020-09-23. Review status: criteria provided, single submitter. Criteria: GeneDx Variant Classification Process June 2021. Collection method: clinical testing. Allele origin: germline. Affected: yes.

Cambridge Genomics Laboratory, East Genomic Laboratory Hub, NHS Genomic Medicine Service
Classification: Benign for Congenital heart disease. Last evaluated: 2020-04-28. Review status: criteria provided, single submitter. Criteria: ACGS Best Practice Guidelines for Variant Classification in Rare Disease 2020. Collection method: clinical testing. Allele origin: germline. Affected: yes. Observed: 1 variant allele.

Eurofins Ntd Llc (ga)
Classification: Uncertain significance. Last evaluated: 2016-04-04. Review status: criteria provided, single submitter. Criteria: EGL Classification Definitions 2015. Collection method: clinical testing. Allele origin: germline. Observed: 1 variant allele, 1 heterozygote.